The following is an entry in ClinVar:

NM_003235.5(TG):c.7263C>T (p.Ala2421=)

Genes: SLA (Src like adaptor; minus strand), TG (thyroglobulin; plus strand). Cytogenetic location: 8q24.22.
Variant type: single nucleotide variant.
Coding change: c.7263C>T on transcript NM_003235.5 (MANE Select); coding-DNA position 7263, C replaced by T.
Protein change: p.Ala2421=; no amino-acid change (alanine 2421 retained).
Molecular consequence: synonymous variant. On other transcripts: intron variant (4).
Genome position (GRCh38, 1-based): chr8:133,095,067, C>T. VCF-style: chr8-133095067-C-T. GRCh37 (hg19) VCF-style: chr8-134107311-C-T.
Other names: c.-264+7486G>A (NM_001282965.2); c.11+7486G>A (NM_001282964.2, NM_001045557.3); c.-319+7486G>A (NM_001045556.3).
Identifiers: ClinVar variation 2695363 (VCV002695363.5), dbSNP rs146692559, ClinGen allele CA4885588.

ClinVar aggregate classification (germline): Likely benign. Review status: criteria provided, single submitter (1 of 4 stars). 2 submissions from 2 submitters: Likely benign (1). 1 of the submissions does not count toward it. Last evaluated 2024-03-18.

Conditions:
TG-related disorder. Also called: TG-related disorders; TG-related condition.

Allele frequency attached by ClinVar (database versions not stated): ExAC 0.00012; ESP Exome Variant Server 0.00015; gnomAD 0.00016; TOPMed 0.00018.
gnomAD v4.1: 71 of 1,613,814 alleles (0.0044%); highest among the groups gnomAD compares: African/African-American, 0.056%; no homozygotes.

Submissions (2):

Labcorp Genetics (formerly Invitae), Labcorp
Classification: Likely benign. Last evaluated: 2024-03-18. Review status: criteria provided, single submitter. Criteria: Invitae Variant Classification Sherloc (09022015). Collection method: clinical testing. Allele origin: germline.

PreventionGenetics, part of Exact Sciences
Classification: Likely benign for TG-related condition. Last evaluated: 2019-05-23. Review status: no assertion criteria provided. Collection method: clinical testing. Allele origin: germline. Not counted in ClinVar's aggregate classification.
Comment: This variant is classified as likely benign based on ACMG/AMP sequence variant interpretation guidelines (Richards et al. 2015 PMID: 25741868, with internal and published modifications).